The following is an entry in ClinVar:

NM_145691.4(ATPAF2):c.8G>A (p.Arg3Lys)

Gene: ATPAF2 (ATP synthase mitochondrial F1 complex assembly factor 2; minus strand). Cytogenetic location: 17p11.2.
Variant type: single nucleotide variant.
Coding change: c.8G>A on transcript NM_145691.4 (MANE Select); coding-DNA position 8, G replaced by A.
Protein change: p.Arg3Lys; replaces arginine 3 with lysine.
Molecular consequence: missense variant.
Genome position (GRCh38, 1-based): chr17:18,039,006, C>T on the plus strand (G>A on the coding strand, the complement: ATPAF2 is on the minus strand). VCF-style: chr17-18039006-C-T. GRCh37 (hg19) VCF-style: chr17-17942320-C-T.
Other names: short protein forms R3K.
Identifiers: ClinVar variation 429844 (VCV000429844.4), dbSNP rs1131691631, ClinGen allele CA398580624.

ClinVar aggregate classification (germline): Uncertain significance. Review status: criteria provided, multiple submitters, no conflicts (2 of 4 stars). 2 submissions from 2 submitters: Uncertain significance (2). Last evaluated 2021-07-16.

Conditions:
Mitochondrial complex V (ATP synthase) deficiency, nuclear type 1. Also called: MITOCHONDRIAL COMPLEX V (ATP SYNTHASE) DEFICIENCY, ATPAF2 TYPE; Nuclear-Encoded ATPase Deficiency, ATPAF2-Related. Identifiers: Orphanet 254913, MedGen C3276276, MONDO:0011421, OMIM 604273.

Allele frequency attached by ClinVar (database versions not stated): gnomAD exomes below 0.00001; TOPMed below 0.00001.
gnomAD v4.1: 1 of 1,604,454 alleles (0.000062%); highest among the groups gnomAD compares: East Asian, 0.0023%; no homozygotes.

Submissions (2):

New York Genome Center
Classification: Uncertain significance for Mitochondrial complex V (ATP synthase) deficiency, nuclear type 1. Last evaluated: 2021-07-16. Review status: criteria provided, single submitter. Criteria: NYGC Assertion Criteria 2020. Collection method: clinical testing. Allele origin: inherited. Observed: 1 heterozygote. Study: CSER-NYCKidSeq.

GeneDx
Classification: Uncertain significance. Last evaluated: 2020-05-01. Review status: criteria provided, single submitter. Criteria: GeneDx Variant Classification Process June 2021. Collection method: clinical testing. Allele origin: germline. Affected: yes.
Comment: Not observed in large population cohorts (Lek et al., 2016); In silico analysis supports that this missense variant does not alter protein structure/function; Has not been previously published as pathogenic or benign to our knowledge